The following is an entry in ClinVar:

NM_001371623.1(TCOF1):c.4132_4133del (p.Val1378fs)

Gene: TCOF1 (treacle ribosome biogenesis factor 1; plus strand). Cytogenetic location: 5q32.
Variant type: Deletion.
Coding change: c.4132_4133del on transcript NM_001371623.1 (MANE Select); coding-DNA positions 4132 to 4133, 2 bases deleted (GT; older notation c.4132_4133delGT).
Protein change: p.Val1378fs; shifts the reading frame from valine 1378.
Molecular consequence: frameshift variant.
Genome position (GRCh38, 1-based): chr5:150,396,629-150,396,630, GT deleted; deleting any 2 consecutive bases within chr5:150,396,628-150,396,630 gives the same sequence; the c. name uses the placement nearest the transcript's 3' end. VCF-style (leftmost placement, unchanged base first): chr5-150396627-CTG-C. GRCh37 (hg19) VCF-style: chr5-149776190-CTG-C.
Other names: c.4129_4130delGT (NM_001135243.1); c.3898_3899del, p.Val1300fs (NM_000356.4); c.4129_4130del, p.Val1377fs (NM_001135243.2); c.4018_4019del, p.Val1340fs (NM_001135244.2); c.3901_3902del, p.Val1301fs (NM_001135245.2); c.4015_4016del, p.Val1339fs (NM_001195141.2); short protein forms V1339fs, V1340fs, V1377fs, V1300fs, V1301fs, V1378fs.
Identifiers: ClinVar variation 452124 (VCV000452124.2), dbSNP rs1554080589, ClinGen allele CA658657563.

ClinVar aggregate classification (germline): Pathogenic. Review status: criteria provided, multiple submitters, no conflicts (2 of 4 stars). 2 submissions from 2 submitters: Pathogenic (2). Last evaluated 2017-09-14.

Conditions:
Treacher Collins syndrome 1 (TCS1). Also called: TCOF1-Related Treacher Collins Syndrome. Identifiers: Orphanet 861, MedGen CN315775, MONDO:0007944, OMIM 154500.

Submissions (2):

GeneDx
Classification: Pathogenic. Last evaluated: 2017-09-14. Review status: criteria provided, single submitter. Criteria: GeneDx Variant Classification (06012015). Collection method: clinical testing. Allele origin: germline. Affected: yes.
Comment: The c.4129_4130delGT variant in the TCOF1 gene not been published as a pathogenic variant, nor has it been reported as a benign variant to our knowledge. This deletion causes a frameshift starting with codon Valine 1377, changes this amino acid to a Phenylalanine residue and creates a premature Stop codon at position 21 of the new reading frame, denoted p.Val1377PhefsX21. This variant is predicted to cause loss of normal protein function either through protein truncation or nonsense-mediated mRNA decay. Based on currently available evidence, we consider c.4129_4130delGT to be pathogenic.

Institute of Human Genetics, University Hospital of Duesseldorf
Classification: Pathogenic for Treacher Collins syndrome 1. Review status: criteria provided, single submitter. Criteria: ACMG Guidelines, 2015. Collection method: not provided. Allele origin: germline. Inheritance: Autosomal dominant inheritance. Affected: yes.